The following is an entry in ClinVar:

ClinVar aggregate classification (germline): Uncertain significance. Review status: criteria provided, multiple submitters, no conflicts (2 of 4 stars). 3 submissions from 3 submitters: Uncertain significance (3). Last evaluated 2026-05-18.

Conditions:
Inborn genetic diseases. Identifiers: MedGen C0950123, MeSH D030342.
PHIP-related disorder. Also called: PHIP-related disorders; PHIP-related condition.

Allele frequency attached by ClinVar (database versions not stated): gnomAD 0.00002; TOPMed 0.00003; ExAC 0.00004.
gnomAD v4.1: 21 of 1,550,288 alleles (0.0014%); highest among the groups gnomAD compares: South Asian, 0.016%; no homozygotes.

Submissions (3):

PreventionGenetics, part of Exact Sciences
Classification: Uncertain significance for PHIP-related condition. Last evaluated: 2026-05-18. Review status: criteria provided, single submitter. Criteria: ACMG Guidelines, 2015. Collection method: clinical testing. Allele origin: germline.
Comment: The PHIP c.3194G>A variant is predicted to result in the amino acid substitution p.Arg1065Gln. To our knowledge, this variant has not been reported in the literature. This variant is reported in 0.018% of alleles in individuals of South Asian descent in gnomAD. Although we suspect that this variant may be benign, at this time, the clinical significance of this variant is uncertain due to the absence of conclusive functional and genetic evidence.

Labcorp Genetics (formerly Invitae), Labcorp
Classification: Uncertain significance. Last evaluated: 2024-08-29. Review status: criteria provided, single submitter. Criteria: Invitae Variant Classification Sherloc (09022015). Collection method: clinical testing. Allele origin: germline.
Comment: This sequence change replaces arginine, which is basic and polar, with glutamine, which is neutral and polar, at codon 1065 of the PHIP protein (p.Arg1065Gln). This variant is present in population databases (rs768829222, gnomAD 0.01%). This variant has not been reported in the literature in individuals affected with PHIP-related conditions. ClinVar contains an entry for this variant (Variation ID: 2230676). Invitae Evidence Modeling of protein sequence and biophysical properties (such as structural, functional, and spatial information, amino acid conservation, physicochemical variation, residue mobility, and thermodynamic stability) indicates that this missense variant is not expected to disrupt PHIP protein function with a negative predictive value of 80%. In summary, the available evidence is currently insufficient to determine the role of this variant in disease. Therefore, it has been classified as a Variant of Uncertain Significance.

Ambry Genetics
Classification: Uncertain significance for Inborn genetic diseases. Last evaluated: 2021-06-04. Review status: criteria provided, single submitter. Criteria: Ambry Variant Classification Scheme 2023. Collection method: clinical testing. Allele origin: germline.

NM_017934.7(PHIP):c.3194G>A (p.Arg1065Gln)

Genes: IRAK1BP1 (interleukin 1 receptor associated kinase 1 binding protein 1; plus strand), PHIP (PHIP subunit of CUL4-Ring ligase complex; minus strand). Cytogenetic location: 6q14.1.
Variant type: single nucleotide variant.
Coding change: c.3194G>A on transcript NM_017934.7 (MANE Select); coding-DNA position 3194, G replaced by A.
Protein change: p.Arg1065Gln; replaces arginine 1065 with glutamine.
Molecular consequence: missense variant.
Genome position (GRCh38, 1-based): chr6:78,969,846, C>T on the plus strand (G>A on the coding strand, the complement: PHIP is on the minus strand). VCF-style: chr6-78969846-C-T. GRCh37 (hg19) VCF-style: chr6-79679563-C-T.
Other names: c.3194G>A (NM_017934.6); short protein forms R1065Q.
Identifiers: ClinVar variation 2230676 (VCV002230676.5), dbSNP rs768829222, ClinGen allele CA3899759.